The following is an entry in ClinVar:

ClinVar aggregate classification (germline): Uncertain significance (1 of 4 stars; one submission).

Allele frequency attached by ClinVar (database versions not stated): TOPMed below 0.00001; gnomAD 0.00001.

Submission:

GeneDx
Classification: Uncertain significance. Last evaluated: 2022-11-30. Review status: criteria provided, single submitter. Criteria: GeneDx Variant Classification Process June 2021. Collection method: clinical testing. Allele origin: germline. Affected: yes.
Comment: Not observed at significant frequency in large population cohorts (gnomAD); In silico analysis supports that this missense variant has a deleterious effect on protein structure/function; Has not been previously published as pathogenic or benign to our knowledge

NM_001104631.2(PDE4D):c.1244C>G (p.Ser415Cys)

Gene: PDE4D (phosphodiesterase 4D; minus strand). Cytogenetic location: 5q11.2.
Variant type: single nucleotide variant.
Coding change: c.1244C>G on transcript NM_001104631.2 (MANE Select); coding-DNA position 1244, C replaced by G.
Protein change: p.Ser415Cys; replaces serine 415 with cysteine.
Molecular consequence: missense variant.
Genome position (GRCh38, 1-based): chr5:58,990,847, G>C on the plus strand (C>G on the coding strand, the complement: PDE4D is on the minus strand). VCF-style: chr5-58990847-G-C. GRCh37 (hg19) VCF-style: chr5-58286674-G-C.
Other names: c.1061C>G, p.Ser354Cys (NM_001165899.2, NM_001364599.1); c.1052C>G, p.Ser351Cys (NM_001197218.2); c.878C>G, p.Ser293Cys (NM_001197219.2); c.854C>G, p.Ser285Cys (NM_001197220.2); c.338C>G, p.Ser113Cys (NM_001197221.2, NM_001364603.1); c.572C>G, p.Ser191Cys (NM_001197222.2); c.371C>G, p.Ser124Cys (NM_001197223.2); c.1031C>G, p.Ser344Cys (NM_001349241.2); and 3 more; short protein forms S113C, S124C, S159C, S191C, S279C, S285C, S293C, S305C.
Identifiers: ClinVar variation 2504458 (VCV002504458.1), dbSNP rs1747747005, ClinGen allele CA359817409.